The following is an entry in ClinVar:

ClinVar aggregate classification (germline): Uncertain significance (1 of 4 stars; one submission).

Conditions:
Hereditary cancer-predisposing syndrome. Also called: Neoplastic Syndromes, Hereditary; Tumor predisposition; Hereditary neoplastic syndrome; Hereditary Cancer Syndrome. Identifiers: Orphanet 140162, MedGen C0027672, MeSH D009386, MONDO:0015356.

gnomAD v4.1: 1 of 1,613,656 alleles (0.000062%); highest among the groups gnomAD compares: Non-Finnish European, 0.000085%; no homozygotes.

Submission:

Ambry Genetics
Classification: Uncertain significance for Hereditary cancer-predisposing syndrome. Last evaluated: 2026-07-06. Review status: criteria provided, single submitter. Criteria: Ambry Variant Classification Scheme 2023. Collection method: clinical testing. Allele origin: germline.
Comment: The p.A1303G variant (also known as c.3908C>G), located in coding exon 9 of the MSH6 gene, results from a C to G substitution at nucleotide position 3908. The alanine at codon 1303 is replaced by glycine, an amino acid with similar properties. This amino acid position is conserved. In addition, this alteration is predicted to be deleterious by in silico analysis. Based on the available evidence, the clinical significance of this variant remains unclear.

NM_000179.3(MSH6):c.3908C>G (p.Ala1303Gly)

Gene: MSH6 (mutS homolog 6; plus strand). Cytogenetic location: 2p16.3.
Variant type: single nucleotide variant.
Coding change: c.3908C>G on transcript NM_000179.3 (MANE Select); coding-DNA position 3908, C replaced by G.
Protein change: p.Ala1303Gly; replaces alanine 1303 with glycine.
Molecular consequence: missense variant. On other transcripts: non-coding transcript variant (5), intron variant (1).
Genome position (GRCh38, 1-based): chr2:47,806,558, C>G. VCF-style: chr2-47806558-C-G. GRCh37 (hg19) VCF-style: chr2-48033697-C-G.
Other names: c.3611C>G, p.Ala1204Gly (NM_001406825.1, NM_001406827.1, NM_001406828.1 and 10 more transcripts); c.3740C>G, p.Ala1247Gly (NM_001406826.1); c.3002C>G, p.Ala1001Gly (NM_001406829.1, NM_001281493.2, NM_001281494.2 and 6 more transcripts); c.689C>G, p.Ala230Gly (NM_001406831.1); c.755C>G, p.Ala252Gly (NM_001406832.1); c.1853C>G, p.Ala618Gly (NM_001407362.1); c.3897+200C>G (NM_001406802.1); c.3518C>G, p.Ala1173Gly (NM_001281492.2); and 9 more; short protein forms A1128G, A1245G, A1335G, A1001G, A230G, A618G, A1173G, A1204G.
Identifiers: ClinVar variation 5024890 (VCV005024890.1).